The following is an entry in ClinVar:

ClinVar aggregate classification (germline): other (0 of 4 stars; one submission).

Conditions:
Familial colorectal cancer. Identifiers: MedGen CN280943, MONDO:0023113. Disease mechanism: loss of function.

Submission:

Systems Biology Platform Zhejiang California International NanoSystems Institute
Classification: other for Familial colorectal cancer. Review status: no assertion criteria provided. Collection method: not provided. Allele origin: unknown.
ClinVar note: Converted during submission from cancer to other.

NM_000038.6(APC):c.422+655T>C

Gene: APC (APC regulator of WNT signaling pathway; plus strand). Cytogenetic location: 5q22.2.
Variant type: single nucleotide variant.
Coding change: c.422+655T>C on transcript NM_000038.6 (MANE Select); 655 bases into the intron after coding-DNA position 422, T replaced by C.
Molecular consequence: intron variant.
Genome position (GRCh38, 1-based): chr5:112,768,045, T>C. VCF-style: chr5-112768045-T-C. GRCh37 (hg19) VCF-style: chr5-112103742-T-C.
Other names: c.422+655T>C (NM_001354895.2, NM_001127510.3, NM_001354896.2 and 2 more transcripts); c.452+655T>C (NM_001354897.2, NM_001354902.2, NM_001127511.3); c.347+655T>C (NM_001354898.2, NM_001354904.2); c.-614+655T>C (NM_001354906.2); c.245+655T>C (NM_001354900.2, NM_001354901.2, NM_001354905.2).
Identifiers: ClinVar variation 82402 (VCV000082402.2), dbSNP rs75297307, ClinGen allele CA009117.